The following is an entry in ClinVar:

NM_001252024.2(TRPM1):c.220C>T (p.Pro74Ser)

Gene: TRPM1 (transient receptor potential cation channel subfamily M member 1; minus strand). Cytogenetic location: 15q13.3.
Variant type: single nucleotide variant.
Coding change: c.220C>T on transcript NM_001252024.2 (MANE Select); coding-DNA position 220, C replaced by T.
Protein change: p.Pro74Ser; replaces proline 74 with serine.
Molecular consequence: missense variant.
Genome position (GRCh38, 1-based): chr15:31,070,090, G>A on the plus strand (C>T on the coding strand, the complement: TRPM1 is on the minus strand). VCF-style: chr15-31070090-G-A. GRCh37 (hg19) VCF-style: chr15-31362293-G-A.
Other names: c.271C>T, p.Pro91Ser (NM_001252020.2); c.154C>T, p.Pro52Ser (NM_001252030.2, NM_002420.6); c.271C>T (NM_001252020.1); c.154C>T (NM_002420.4); short protein forms P52S, P74S, P91S.
Identifiers: ClinVar variation 955491 (VCV000955491.11), dbSNP rs546531970, ClinGen allele CA7453055.
Genomic context (GRCh38, chr15:31,070,090, plus strand): 5'-CCATGGCTTTATTGGAATATCCGCCACCCTGGAATTCAAGAACTCCATAGGAATCTGTTG[G>A]GTAGCTCTGGGTGTGCTTGGCAACAGACCATTTCTCAGGCTGAGTCTCCACCTGTTTGCT-3'
Protein context (NP_001238953.1, residues 64-84): WSVAKHTQSY[Pro74Ser]TDSYGVLEFQ

ClinVar aggregate classification (germline): Conflicting classifications of pathogenicity. Review status: criteria provided, conflicting classifications (1 of 4 stars). 4 submissions from 4 submitters: Uncertain significance (2); Likely benign (2). Last evaluated 2026-01-05.

Conditions:
TRPM1-related disorder. Also called: TRPM1-related condition.
Inborn genetic diseases. Identifiers: MedGen C0950123, MeSH D030342.

Allele frequency attached by ClinVar (database versions not stated): TOPMed 0.00009; 1000 Genomes Project 30x 0.00016; 1000 Genomes Project 0.00020.
gnomAD v4.1: 61 of 1,614,114 alleles (0.0038%); highest among the groups gnomAD compares: East Asian, 0.1%; no homozygotes.

Submissions (4):

Labcorp Genetics (formerly Invitae), Labcorp
Classification: Likely benign. Last evaluated: 2026-01-05. Review status: criteria provided, single submitter. Criteria: Invitae Variant Classification Sherloc (09022015). Collection method: clinical testing. Allele origin: germline.

PreventionGenetics, part of Exact Sciences
Classification: Likely benign for TRPM1-related condition. Last evaluated: 2025-07-29. Review status: criteria provided, single submitter. Criteria: ACMG Guidelines, 2015. Collection method: clinical testing. Allele origin: germline.
Comment: This variant is classified as likely benign based on ACMG/AMP sequence variant interpretation guidelines (Richards et al. 2015 PMID: 25741868, with internal and published modifications).

Blueprint Genetics
Classification: Uncertain significance. Last evaluated: 2023-05-08. Review status: criteria provided, single submitter. Criteria: ACMG Guidelines, 2015. Collection method: clinical testing. Allele origin: germline.

Ambry Genetics
Classification: Uncertain significance for Inborn genetic diseases. Last evaluated: 2022-07-08. Review status: criteria provided, single submitter. Criteria: Ambry Variant Classification Scheme 2023. Collection method: clinical testing. Allele origin: germline.